The following is an entry in ClinVar:

NM_003922.4(HERC1):c.1984C>G (p.Leu662Val)

Gene: HERC1 (HECT and RLD domain containing E3 ubiquitin protein ligase family member 1; minus strand). Cytogenetic location: 15q22.31.
Variant type: single nucleotide variant.
Coding change: c.1984C>G on transcript NM_003922.4 (MANE Select); coding-DNA position 1984, C replaced by G.
Protein change: p.Leu662Val; replaces leucine 662 with valine.
Molecular consequence: missense variant.
Genome position (GRCh38, 1-based): chr15:63,749,710, G>C on the plus strand (C>G on the coding strand, the complement: HERC1 is on the minus strand). VCF-style: chr15-63749710-G-C. GRCh37 (hg19) VCF-style: chr15-64041909-G-C.
Other names: short protein forms L662V.
Identifiers: ClinVar variation 4621455 (VCV004621455.1).

ClinVar aggregate classification (germline): Uncertain significance (1 of 4 stars; one submission).

Conditions:
Inborn genetic diseases. Identifiers: MedGen C0950123, MeSH D030342.

gnomAD v4.1: 1 of 1,587,732 alleles (0.000063%); highest among the groups gnomAD compares: Admixed American, 0.0018%; no homozygotes.

Submission:

Ambry Genetics
Classification: Uncertain significance for Inborn genetic diseases. Last evaluated: 2025-10-29. Review status: criteria provided, single submitter. Criteria: Ambry Variant Classification Scheme 2023. Collection method: clinical testing. Allele origin: germline.
Comment: The c.1984C>G (p.L662V) alteration is located in exon 9 (coding exon 8) of the HERC1 gene. This alteration results from a C to G substitution at nucleotide position 1984, causing the leucine (L) at amino acid position 662 to be replaced by a valine (V). Based on data from gnomAD, the G allele has an overall frequency of <0.001% (1/207108) total alleles studied. The highest observed frequency was 0.003% (1/29786) of Latino alleles. Based on insufficient or conflicting evidence, the clinical significance of this alteration remains unclear.